The following is an entry in ClinVar:

ClinVar aggregate classification (germline): Benign/Likely benign. Review status: criteria provided, multiple submitters, no conflicts (2 of 4 stars). 3 submissions from 3 submitters: Benign (1); Likely benign (1). 1 of the submissions does not count toward it. Last evaluated 2025-10-14.

Conditions:
PCK2-related disorder. Also called: PCK2-related condition.

Allele frequency attached by ClinVar (database versions not stated): gnomAD exomes 0.00062; TOPMed 0.00077; gnomAD 0.00088; ESP Exome Variant Server 0.00092; ExAC 0.00101.
gnomAD v4.1: 1,114 of 1,614,178 alleles (0.069%); highest among the groups gnomAD compares: Middle Eastern, 0.033%; 8 homozygotes.

Submissions (3):

Labcorp Genetics (formerly Invitae), Labcorp
Classification: Benign. Last evaluated: 2025-10-14. Review status: criteria provided, single submitter. Criteria: Invitae Variant Classification Sherloc (09022015). Collection method: clinical testing. Allele origin: germline.

CeGaT Center for Human Genetics Tuebingen
Classification: Likely benign. Last evaluated: 2024-08-01. Review status: criteria provided, single submitter. Criteria: CeGaT Center For Human Genetics Tuebingen Variant Classification Criteria Version 2. Collection method: clinical testing. Allele origin: germline. Affected: yes. Observed: 3 variant alleles.
Comment: PCK2: BP4

PreventionGenetics, part of Exact Sciences
Classification: Benign for PCK2-related condition. Last evaluated: 2019-06-18. Review status: no assertion criteria provided. Collection method: clinical testing. Allele origin: germline. Not counted in ClinVar's aggregate classification.
Comment: This variant is classified as benign based on ACMG/AMP sequence variant interpretation guidelines (Richards et al. 2015 PMID: 25741868, with internal and published modifications).

NM_004563.4(PCK2):c.1741G>A (p.Ala581Thr)

Genes: NRL (neural retina leucine zipper; minus strand), PCK2 (phosphoenolpyruvate carboxykinase 2, mitochondrial; plus strand). Cytogenetic location: 14q12.
Variant type: single nucleotide variant.
Coding change: c.1741G>A on transcript NM_004563.4 (MANE Select); coding-DNA position 1741, G replaced by A.
Protein change: p.Ala581Thr; replaces alanine 581 with threonine.
Molecular consequence: missense variant. On other transcripts: intron variant (3).
Genome position (GRCh38, 1-based): chr14:24,103,782, G>A. VCF-style: chr14-24103782-G-A. GRCh37 (hg19) VCF-style: chr14-24572991-G-A.
Other names: c.-28+10940C>T (NM_001354768.3, NM_001354770.2); c.-254+10940C>T (NM_006177.5); c.1339G>A, p.Ala447Thr (NM_001291556.2, NM_001308054.2); short protein forms A581T, A447T.
Identifiers: ClinVar variation 2041016 (VCV002041016.29), dbSNP rs139733386, ClinGen allele CA7123620.
Genomic context (GRCh38, chr14:24,103,782, plus strand): 5'-CGGTTAGAGGGGGAGGACAGTGCCCGAGAGACACCCATTGGGCTGGTGCCAAAGGAAGGA[G>A]CCTTGGATCTCAGCGGCCTCAGAGCTATAGACACCACTCAGCTGTTCTCCCTCCCCAAGG-3'
Protein context (NP_004554.3, residues 571-591): TPIGLVPKEG[Ala581Thr]LDLSGLRAID